The following is an entry in ClinVar:

ClinVar aggregate classification (germline): Likely benign. Review status: criteria provided, multiple submitters, no conflicts (2 of 4 stars). 3 submissions from 3 submitters: Likely benign (3). Last evaluated 2025-12-04.

Conditions:
Congenital disorder of glycosylation type 1E (CDG1E). Also called: CONGENITAL DISORDER OF GLYCOSYLATION, TYPE Ie; CDG Ie. Identifiers: Orphanet 79322, MedGen C1837396, MONDO:0012123, OMIM 608799.

Allele frequency attached by ClinVar (database versions not stated): TOPMed 0.00003; ExAC 0.00004; gnomAD 0.00007; 1000 Genomes Project 30x 0.00016; 1000 Genomes Project 0.00020.
gnomAD v4.1: 66 of 1,578,484 alleles (0.0042%); highest among the groups gnomAD compares: Middle Eastern, 0.067%; no homozygotes.

Submissions (3):

Labcorp Genetics (formerly Invitae), Labcorp
Classification: Likely benign for Congenital disorder of glycosylation type 1E. Last evaluated: 2025-12-04. Review status: criteria provided, single submitter. Criteria: Invitae Variant Classification Sherloc (09022015). Collection method: clinical testing. Allele origin: germline.

Blueprint Genetics
Classification: Likely benign. Last evaluated: 2024-08-27. Review status: criteria provided, single submitter. Criteria: ACMG Guidelines, 2015. Collection method: clinical testing. Allele origin: germline.

GeneDx
Classification: Likely benign. Last evaluated: 2017-04-04. Review status: criteria provided, single submitter. Criteria: GeneDx Variant Classification (06012015). Collection method: clinical testing. Allele origin: germline. Affected: yes.
Comment: This variant is considered likely benign or benign based on one or more of the following criteria: it is a conservative change, it occurs at a poorly conserved position in the protein, it is predicted to be benign by multiple in silico algorithms, and/or has population frequency not consistent with disease.

NM_003859.3(DPM1):c.684A>G (p.Pro228=)

Genes: ADNP-AS1 (ADNP antisense RNA 1; plus strand), DPM1 (dolichyl-phosphate mannosyltransferase subunit 1, catalytic; minus strand). Cytogenetic location: 20q13.13.
Variant type: single nucleotide variant.
Coding change: c.684A>G on transcript NM_003859.3 (MANE Select); coding-DNA position 684, A replaced by G.
Protein change: p.Pro228=; no amino-acid change (proline 228 retained).
Molecular consequence: synonymous variant. On other transcripts: non-coding transcript variant (1).
Genome position (GRCh38, 1-based): chr20:50,935,231, T>C on the plus strand (A>G on the coding strand, the complement: DPM1 is on the minus strand). VCF-style: chr20-50935231-T-C. GRCh37 (hg19) VCF-style: chr20-49551768-T-C.
Other names: c.789A>G, p.Pro263= (NM_001317034.1); c.765A>G, p.Pro255= (NM_001317035.1); c.615A>G, p.Pro205= (NM_001317036.1).
Identifiers: ClinVar variation 464507 (VCV000464507.10), dbSNP rs369538517, ClinGen allele CA9908999.